The following is an entry in ClinVar:

NM_000059.4(BRCA2):c.2838T>A (p.Asp946Glu)

Gene: BRCA2 (BRCA2 DNA repair associated; plus strand). Cytogenetic location: 13q13.1.
Variant type: single nucleotide variant.
Coding change: c.2838T>A on transcript NM_000059.4 (MANE Select); coding-DNA position 2838, T replaced by A.
Protein change: p.Asp946Glu; replaces aspartic acid 946 with glutamic acid.
Molecular consequence: missense variant.
Genome position (GRCh38, 1-based): chr13:32,337,193, T>A. VCF-style: chr13-32337193-T-A. GRCh37 (hg19) VCF-style: chr13-32911330-T-A.
Other names: short protein forms D946E.
Identifiers: ClinVar variation 631159 (VCV000631159.11), dbSNP rs149753706, ClinGen allele CA387773879.
Genomic context (GRCh38, chr13:32,337,193, plus strand): 5'-CATGGTTTTATATGGAGACACAGGTGATAAACAAGCAACCCAAGTGTCAATTAAAAAAGA[T>A]TTGGTTTATGTTCTTGCAGAGGAGAACAAAAATAGTGTAAAGCAGCATATAAAAATGACT-3'
Protein context (NP_000050.3, residues 936-956): KQATQVSIKK[Asp946Glu]LVYVLAEENK

ClinVar aggregate classification (germline): Conflicting classifications of pathogenicity. Review status: criteria provided, conflicting classifications (1 of 4 stars). 5 submissions from 5 submitters: Uncertain significance (3); Likely benign (2). Last evaluated 2026-07-21.

Conditions:
Breast-ovarian cancer, familial, susceptibility to, 2 (BROVCA2). Also called: BRCA2 Hereditary Breast and Ovarian Cancer. Identifiers: Orphanet 145, MedGen C2675520, MONDO:0012933, OMIM 612555. Disease mechanism: loss of function.
Hereditary cancer-predisposing syndrome. Also called: Neoplastic Syndromes, Hereditary; Hereditary Cancer Syndrome; Hereditary neoplastic syndrome; Tumor predisposition. Identifiers: Orphanet 140162, MedGen C0027672, MeSH D009386, MONDO:0015356.
Hereditary breast ovarian cancer syndrome. Also called: Breast and ovarian cancer; Hereditary breast and ovarian cancer syndrome (HBOC); BRCA1- and BRCA2-Associated Hereditary Breast and Ovarian Cancer; Hereditary breast and ovarian cancer syndrome; Hereditary breast and ovarian cancer; Hereditary breast and/or ovarian cancer syndrome. Identifiers: Orphanet 145, MedGen C0677776, MeSH D061325, MONDO:0003582. Disease mechanism: loss of function.

Submissions (5):

Ambry Genetics
Classification: Likely benign for Hereditary cancer-predisposing syndrome. Last evaluated: 2026-07-21. Review status: criteria provided, single submitter. Criteria: Ambry Variant Classification Scheme 2023. Collection method: clinical testing. Allele origin: germline.

All of Us Research Program, National Institutes of Health
Classification: Uncertain significance for Breast-ovarian cancer, familial, susceptibility to, 2. Last evaluated: 2024-01-11. Review status: criteria provided, single submitter. Criteria: ACMG Guidelines, 2015. Collection method: clinical testing. Allele origin: germline. Inheritance: Autosomal dominant inheritance. Observed: 1 variant allele, 1 heterozygote.
Comment: This study involves interpretation of variants in research participants for the purpose of population health screening. Participant phenotype was not available at the time of variant classification. Additional details can be found in publication PMID: 35346344, PMCID: PMC8962531

Labcorp Genetics (formerly Invitae), Labcorp
Classification: Uncertain significance for Hereditary breast ovarian cancer syndrome. Last evaluated: 2023-05-11. Review status: criteria provided, single submitter. Criteria: Invitae Variant Classification Sherloc (09022015). Collection method: clinical testing. Allele origin: germline.
Comment: ClinVar contains an entry for this variant (Variation ID: 631159). Advanced modeling of protein sequence and biophysical properties (such as structural, functional, and spatial information, amino acid conservation, physicochemical variation, residue mobility, and thermodynamic stability) performed at Invitae indicates that this missense variant is not expected to disrupt BRCA2 protein function. This missense change has been observed in individual(s) with breast and/or ovarian cancer (PMID: 31825140). This variant is not present in population databases (gnomAD no frequency). This sequence change replaces aspartic acid, which is acidic and polar, with glutamic acid, which is acidic and polar, at codon 946 of the BRCA2 protein (p.Asp946Glu). In summary, the available evidence is currently insufficient to determine the role of this variant in disease. Therefore, it has been classified as a Variant of Uncertain Significance.

University of Washington Department of Laboratory Medicine, University of Washington
Classification: Likely benign for Hereditary cancer-predisposing syndrome. Last evaluated: 2023-03-23. Review status: criteria provided, single submitter. Criteria: Dines et al. (Genet Med. 2020). Collection method: curation. Allele origin: germline.
Comment: Missense variant in a coldspot region where missense variants are very unlikely to be pathogenic (PMID:31911673).

BRCA2 exon 11 coldspot. Reclassification based on statistical prior probability.

Color Diagnostics, LLC DBA Color Health
Classification: Uncertain significance for Hereditary cancer-predisposing syndrome. Last evaluated: 2019-04-13. Review status: criteria provided, single submitter. Criteria: ACMG Guidelines, 2015. Collection method: clinical testing. Allele origin: germline.

Literature cited by the submitters: PubMed 31825140 (cited by Labcorp Genetics (formerly Invitae), Labcorp).